The following is an entry in ClinVar:

NM_003672.4(CDC14A):c.959A>C (p.Gln320Pro)

Gene: CDC14A (cell division cycle 14A; plus strand). Cytogenetic location: 1p21.2.
Variant type: single nucleotide variant.
Coding change: c.959A>C on transcript NM_003672.4 (MANE Select); coding-DNA position 959, A replaced by C.
Protein change: p.Gln320Pro; replaces glutamine 320 with proline.
Molecular consequence: missense variant.
Genome position (GRCh38, 1-based): chr1:100,468,076, A>C. VCF-style: chr1-100468076-A-C. GRCh37 (hg19) VCF-style: chr1-100933632-A-C.
Other names: c.959A>C, p.Gln320Pro (NM_001319210.2, NM_033312.3, NM_033313.3); c.785A>C, p.Gln262Pro (NM_001319211.2); c.80A>C, p.Gln27Pro (NM_001319212.2); short protein forms Q320P, Q262P, Q27P.
Identifiers: ClinVar variation 638289 (VCV000638289.1), dbSNP rs1339709390, ClinGen allele CA341354259.

ClinVar aggregate classification (germline): Likely pathogenic (1 of 4 stars; one submission).

Conditions:
Autosomal recessive nonsyndromic hearing loss 32. Also called: HEARING IMPAIRMENT INFERTILE MALE SYNDROME; Deafness, autosomal recessive 32; Deafness, autosomal recessive 105. Identifiers: Orphanet 90636, MedGen C1837608, MONDO:0012091, OMIM 608653.

Allele frequency attached by ClinVar (database versions not stated): gnomAD exomes below 0.00001.
gnomAD v4.1: 1 of 1,613,784 alleles (0.000062%); highest among the groups gnomAD compares: South Asian, 0.0011%; no homozygotes.

Submission:

SIB Swiss Institute of Bioinformatics
Classification: Likely pathogenic for Autosomal recessive nonsyndromic hearing loss 32. Last evaluated: 2018-11-05. Review status: criteria provided, single submitter. Criteria: ACMG Guidelines, 2015. Collection method: curation. Allele origin: unknown.
Comment: This variant is interpreted as a Likely pathogenic for Deafness, autosomal recessive 32, with or without immotile sperm. The following ACMG Tag(s) were applied: PM2 : Absent from controls (or at extremely low frequency if recessive) in Exome Sequencing Project, 1000 Genomes Project, or Exome Aggregation Consortium. PP3 : Multiple lines of computational evidence support a deleterious effect on the gene or gene product. PP1-Strong : Segregation data PP1 upgraded to strong (PMID:29293958).

Literature cited by the submitters: PubMed 29293958.